The following is an entry in ClinVar:

ClinVar aggregate classification (germline): Likely pathogenic (1 of 4 stars; one submission).

Conditions:
X-linked intellectual disability, Cantagrel type (XLID98). Also called: INTELLECTUAL DEVELOPMENTAL DISORDER, X-LINKED 98. Identifiers: Orphanet 85277, MedGen C3806730, MONDO:0010483, OMIM 300912.

Submission:

Rady Children's Institute for Genomic Medicine, Rady Children's Hospital San Diego
Classification: Likely pathogenic for MENTAL RETARDATION, X-LINKED 98. Last evaluated: 2020-06-01. Review status: criteria provided, single submitter. Criteria: ACMG Guidelines, 2015. Collection method: clinical testing. Allele origin: germline. Affected: yes.
Comment: This frameshifting variant in exon 3 of 4 introduces a premature stop codon and is therefore predicted to result in loss of normal protein function through either protein truncation or nonsense-mediated mRNA decay (NMD). This variant has not been previously reported or functionally characterized in the literature to our knowledge. It is absent from the gnomAD population database and thus is presumed to be rare. Based on the available evidence, the c.3395_3398del (p.Asn1132IlefsTer55) variant is classified as Likely Pathogenic.

NM_001008537.3(NEXMIF):c.3395_3398del (p.Asn1132fs)

Gene: NEXMIF (neurite extension and migration factor; minus strand). Cytogenetic location: Xq13.3.
Variant type: Deletion.
Coding change: c.3395_3398del on transcript NM_001008537.3 (MANE Select); coding-DNA positions 3395 to 3398, 4 bases deleted (ATAA; older notation c.3395_3398delATAA).
Protein change: p.Asn1132fs; shifts the reading frame from asparagine 1132.
Molecular consequence: frameshift variant.
Genome position (GRCh38, 1-based): chrX:74,741,159-74,741,162, TTAT deleted on the plus strand (ATAA on the coding strand, the reverse complement: NEXMIF is on the minus strand); deleting any 4 consecutive bases within chrX:74,741,159-74,741,165 gives the same sequence; the c. name uses the placement nearest the transcript's 3' end. VCF-style (leftmost placement, unchanged base first): chrX-74741158-ATTAT-A. GRCh37 (hg19) VCF-style: chrX-73960993-ATTAT-A.
Other names: short protein forms N1132fs.
Identifiers: ClinVar variation 1301897 (VCV001301897.1), dbSNP rs2147439499, ClinGen allele CA2573055405.